The following is an entry in ClinVar:

ClinVar aggregate classification (germline): Uncertain significance (1 of 4 stars; one submission).

Conditions:
Primary ciliary dyskinesia. Also called: Ciliary dyskinesia. Identifiers: Orphanet 244, MedGen C0008780, MONDO:0016575, HP:0012265.

Allele frequency attached by ClinVar (database versions not stated): gnomAD exomes below 0.00001.
gnomAD v4.1: 1 of 1,614,220 alleles (0.000062%); highest among the groups gnomAD compares: South Asian, 0.0011%; no homozygotes.

Submission:

Labcorp Genetics (formerly Invitae), Labcorp
Classification: Uncertain significance for Primary ciliary dyskinesia. Last evaluated: 2020-11-25. Review status: criteria provided, single submitter. Criteria: Invitae Variant Classification Sherloc (09022015). Collection method: clinical testing. Allele origin: germline.
Comment: In summary, the available evidence is currently insufficient to determine the role of this variant in disease. Therefore, it has been classified as a Variant of Uncertain Significance. Nucleotide substitutions within the consensus splice site are a relatively common cause of aberrant splicing (PMID: 17576681, 9536098). Algorithms developed to predict the effect of sequence changes on RNA splicing suggest that this variant may disrupt the consensus splice site, but this prediction has not been confirmed by published transcriptional studies. This variant has been observed in individual(s) with clinical features of primary ciliary dyskinesia (Invitae). This variant is not present in population databases (ExAC no frequency). This sequence change affects codon 944 of the CCDC40 mRNA. It is a 'silent' change, meaning that it does not change the encoded amino acid sequence of the CCDC40 protein. This variant also falls at the last nucleotide of exon 17, which is part of the consensus splice site for this exon.

Literature cited by the submitters: PubMed 17576681; PubMed 9536098.

NM_017950.4(CCDC40):c.2832G>A (p.Lys944=)

Gene: CCDC40 (coiled-coil domain 40 molecular ruler complex subunit; plus strand). Cytogenetic location: 17q25.3.
Variant type: single nucleotide variant.
Coding change: c.2832G>A on transcript NM_017950.4 (MANE Select); coding-DNA position 2832, G replaced by A.
Protein change: p.Lys944=; no amino-acid change (lysine 944 retained).
Molecular consequence: synonymous variant.
Genome position (GRCh38, 1-based): chr17:80,089,884, G>A. VCF-style: chr17-80089884-G-A. GRCh37 (hg19) VCF-style: chr17-78063683-G-A.
Other names: c.2832G>A, p.Lys944= (NM_001243342.2).
Identifiers: ClinVar variation 1488638 (VCV001488638.8), dbSNP rs2143759904, ClinGen allele CA502175766.